The following is an entry in ClinVar:

ClinVar aggregate classification (germline): Benign. Review status: criteria provided, multiple submitters, no conflicts (2 of 4 stars). 2 submissions from 2 submitters: Benign (2). Last evaluated 2018-01-12.

Conditions:
Fleck corneal dystrophy (CFD). Also called: CORNEAL DYSTROPHY, FRANCOIS-NEETENS SPECKLED OR FLECKED. Identifiers: Orphanet 98970, MedGen C1562113, MONDO:0007376, OMIM 121850.

Allele frequency attached by ClinVar (database versions not stated): 1000 Genomes Project 30x 0.00031; gnomAD exomes 0.00031 and 0.00066; gnomAD 0.00036 and 0.00046; ESP Exome Variant Server 0.00038; 1000 Genomes Project 0.00040; TOPMed 0.00041; ExAC 0.00066.
gnomAD v4.1: 558 of 1,614,098 alleles (0.035%); highest among the groups gnomAD compares: Middle Eastern, 0.63%; 3 homozygotes.

Submissions (2):

Illumina Laboratory Services, Illumina
Classification: Benign for Fleck corneal dystrophy. Last evaluated: 2018-01-12. Review status: criteria provided, single submitter. Criteria: ICSL Variant Classification Criteria 13 December 2019. Collection method: clinical testing. Allele origin: germline.
Comment: This variant was observed in the ICSL laboratory as part of a predisposition screen in an ostensibly healthy population. It had not been previously curated by ICSL or reported in the Human Gene Mutation Database (HGMD: prior to June 1st, 2018), and was therefore a candidate for classification through an automated scoring system. Utilizing variant allele frequency, disease prevalence and penetrance estimates, and inheritance mode, an automated score was calculated to assess if this variant is too frequent to cause the disease. Based on the score and internal cut-off values, a variant classified as benign is not then subjected to further curation. The score for this variant resulted in a classification of benign for this disease.

Breakthrough Genomics
Classification: Benign. Review status: criteria provided, single submitter. Criteria: ACMG Guidelines, 2015. Collection method: not provided. Allele origin: germline. Inheritance: Autosomal dominant inheritance. Affected: yes.

NM_015040.4(PIKFYVE):c.2802T>A (p.Ile934=)

Gene: PIKFYVE (phosphoinositide kinase, FYVE-type zinc finger containing; plus strand). Cytogenetic location: 2q34.
Variant type: single nucleotide variant.
Coding change: c.2802T>A on transcript NM_015040.4 (MANE Select); coding-DNA position 2802, T replaced by A.
Protein change: p.Ile934=; no amino-acid change (isoleucine 934 retained).
Molecular consequence: synonymous variant.
Genome position (GRCh38, 1-based): chr2:208,325,613, T>A. VCF-style: chr2-208325613-T-A. GRCh37 (hg19) VCF-style: chr2-209190337-T-A.
Identifiers: ClinVar variation 333906 (VCV000333906.6), dbSNP rs61752188, ClinGen allele CA2079922.